The following is an entry in ClinVar:

ClinVar aggregate classification (germline): Uncertain significance (1 of 4 stars; one submission).

Submission:

Labcorp Genetics (formerly Invitae), Labcorp
Classification: Uncertain significance. Last evaluated: 2021-12-25. Review status: criteria provided, single submitter. Criteria: Invitae Variant Classification Sherloc (09022015). Collection method: clinical testing. Allele origin: germline.
Comment: In summary, the available evidence is currently insufficient to determine the role of this variant in disease. Therefore, it has been classified as a Variant of Uncertain Significance. Algorithms developed to predict the effect of missense changes on protein structure and function (SIFT, PolyPhen-2, Align-GVGD) all suggest that this variant is likely to be disruptive. This variant has not been reported in the literature in individuals affected with LPIN1-related conditions. This variant is not present in population databases (gnomAD no frequency). This sequence change replaces phenylalanine, which is neutral and non-polar, with serine, which is neutral and polar, at codon 798 of the LPIN1 protein (p.Phe798Ser).

NM_001349206.2(LPIN1):c.2501T>C (p.Phe834Ser)

Gene: LPIN1 (lipin 1; plus strand). Cytogenetic location: 2p25.1.
Variant type: single nucleotide variant.
Coding change: c.2501T>C on transcript NM_001349206.2 (MANE Select); coding-DNA position 2501, T replaced by C.
Protein change: p.Phe834Ser; replaces phenylalanine 834 with serine.
Molecular consequence: missense variant. On other transcripts: non-coding transcript variant (1).
Genome position (GRCh38, 1-based): chr2:11,819,582, T>C. VCF-style: chr2-11819582-T-C. GRCh37 (hg19) VCF-style: chr2-11959708-T-C.
Other names: c.2411T>C, p.Phe804Ser (NM_001261427.3); c.2648T>C, p.Phe883Ser (NM_001261428.3); c.2393T>C, p.Phe798Ser (NM_001349199.2, NM_145693.4); c.2471T>C, p.Phe824Ser (NM_001349200.2, NM_001349201.2); c.2498T>C, p.Phe833Ser (NM_001349202.2, NM_001349203.2); c.2501T>C, p.Phe834Ser (NM_001349204.2, NM_001349205.2); c.2591T>C, p.Phe864Ser (NM_001349207.2); c.2540T>C, p.Phe847Ser (NM_001349208.2); short protein forms F824S, F864S, F804S, F833S, F834S, F883S, F798S, F847S.
Identifiers: ClinVar variation 2060040 (VCV002060040.4), dbSNP rs1408950102, ClinGen allele CA345859941.